The following is an entry in ClinVar:

ClinVar aggregate classification (germline): Uncertain significance (1 of 4 stars; one submission).

Submission:

Labcorp Genetics (formerly Invitae), Labcorp
Classification: Uncertain significance. Last evaluated: 2021-07-31. Review status: criteria provided, single submitter. Criteria: Invitae Variant Classification Sherloc (09022015). Collection method: clinical testing. Allele origin: germline.
Comment: In summary, the available evidence is currently insufficient to determine the role of this variant in disease. Therefore, it has been classified as a Variant of Uncertain Significance. Algorithms developed to predict the effect of missense changes on protein structure and function (SIFT, PolyPhen-2, Align-GVGD) all suggest that this variant is likely to be disruptive. This variant has not been reported in the literature in individuals affected with WNT3A-related conditions. This variant is not present in population databases (ExAC no frequency). This sequence change replaces asparagine with isoleucine at codon 298 of the WNT3A protein (p.Asn298Ile). The asparagine residue is highly conserved and there is a large physicochemical difference between asparagine and isoleucine.

NM_033131.4(WNT3A):c.893A>T (p.Asn298Ile)

Gene: WNT3A (Wnt family member 3A; plus strand). Cytogenetic location: 1q42.13.
Variant type: single nucleotide variant.
Coding change: c.893A>T on transcript NM_033131.4 (MANE Select); coding-DNA position 893, A replaced by T.
Protein change: p.Asn298Ile; replaces asparagine 298 with isoleucine.
Molecular consequence: missense variant.
Genome position (GRCh38, 1-based): chr1:228,059,299, A>T. VCF-style: chr1-228059299-A-T. GRCh37 (hg19) VCF-style: chr1-228247000-A-T.
Other names: short protein forms N298I.
Identifiers: ClinVar variation 1371392 (VCV001371392.6), dbSNP rs2124821756, ClinGen allele CA345337141.